The following is an entry in ClinVar:

ClinVar aggregate classification (germline): Uncertain significance (1 of 4 stars; one submission).

Submission:

Labcorp Genetics (formerly Invitae), Labcorp
Classification: Uncertain significance. Last evaluated: 2025-04-21. Review status: criteria provided, single submitter. Criteria: Invitae Variant Classification Sherloc (09022015). Collection method: clinical testing. Allele origin: germline.
Comment: This variant, c.1498_1500del, results in the deletion of 1 amino acid(s) of the P4HB protein (p.Asp500del), but otherwise preserves the integrity of the reading frame. This variant is present in population databases (no rsID available, gnomAD 0.006%). This variant has not been reported in the literature in individuals affected with P4HB-related conditions. Experimental studies and prediction algorithms are not available or were not evaluated, and the functional significance of this variant is currently unknown. In summary, the available evidence is currently insufficient to determine the role of this variant in disease. Therefore, it has been classified as a Variant of Uncertain Significance.

NM_000918.4(P4HB):c.1495GAT[1] (p.Asp500del)

Gene: P4HB (prolyl 4-hydroxylase subunit beta; minus strand). Cytogenetic location: 17q25.3.
Variant type: Microsatellite.
Coding change: c.1495GAT[1] on transcript NM_000918.4 (MANE Select); one copy of the 3-base unit GAT starting at c.1495; the reference has two copies in a row; one copy, 3 bases deleted.
Protein change: p.Asp500del; deletes aspartic acid 500.
Molecular consequence: inframe deletion.
Genome position (GRCh38, 1-based): chr17:81,844,039-81,844,041, ATC deleted on the plus strand (GAT on the coding strand, the reverse complement: P4HB is on the minus strand); deleting any 3 consecutive bases within chr17:81,844,039-81,844,044 gives the same sequence; the position shown is the placement nearest the transcript's 3' end. VCF-style (leftmost placement, unchanged base first): chr17-81844038-GATC-G. GRCh37 (hg19) VCF-style: chr17-79801914-GATC-G.
Other names: short protein forms D500del.
Identifiers: ClinVar variation 1954146 (VCV001954146.5), dbSNP rs1198728785, ClinGen allele CA628024252.